The following is an entry in ClinVar:

NM_004235.6(KLF4):c.1113C>T (p.Pro371=)

Gene: KLF4 (KLF transcription factor 4; minus strand). Cytogenetic location: 9q31.2.
Variant type: single nucleotide variant.
Coding change: c.1113C>T on transcript NM_004235.6 (MANE Select); coding-DNA position 1113, C replaced by T.
Protein change: p.Pro371=; no amino-acid change (proline 371 retained).
Molecular consequence: synonymous variant.
Genome position (GRCh38, 1-based): chr9:107,487,179, G>A on the plus strand (C>T on the coding strand, the complement: KLF4 is on the minus strand). VCF-style: chr9-107487179-G-A. GRCh37 (hg19) VCF-style: chr9-110249460-G-A.
Other names: c.1215C>T, p.Pro405= (NM_001314052.2); c.1215C>T (NM_001314052.1).
Identifiers: ClinVar variation 784147 (VCV000784147.5), dbSNP rs150848807, ClinGen allele CA5173090.

ClinVar aggregate classification (germline): Benign. Review status: criteria provided, single submitter (1 of 4 stars). 2 submissions from 2 submitters: Benign (1). 1 of the submissions does not count toward it. Last evaluated 2017-07-10.

Conditions:
KLF4-related disorder. Also called: KLF4-related condition.

Allele frequency attached by ClinVar (database versions not stated): gnomAD exomes 0.00016 and 0.00038; ExAC 0.00033; 1000 Genomes Project 0.00060; 1000 Genomes Project 30x 0.00094; gnomAD 0.00135 and 0.00144; TOPMed 0.00144; ESP Exome Variant Server 0.00161.
gnomAD v4.1: 432 of 1,614,156 alleles (0.027%); highest among the groups gnomAD compares: African/African-American, 0.53%; no homozygotes.

Submissions (2):

Labcorp Genetics (formerly Invitae), Labcorp
Classification: Benign. Last evaluated: 2017-07-10. Review status: criteria provided, single submitter. Criteria: Invitae Variant Classification Sherloc (09022015). Collection method: clinical testing. Allele origin: germline.

PreventionGenetics, part of Exact Sciences
Classification: Likely benign for KLF4-related condition. Last evaluated: 2019-03-25. Review status: no assertion criteria provided. Collection method: clinical testing. Allele origin: germline. Not counted in ClinVar's aggregate classification.
Comment: This variant is classified as likely benign based on ACMG/AMP sequence variant interpretation guidelines (Richards et al. 2015 PMID: 25741868, with internal and published modifications).